The following is an entry in ClinVar:

ClinVar aggregate classification (germline): Uncertain significance (1 of 4 stars; one submission).

Allele frequency attached by ClinVar (database versions not stated): gnomAD exomes below 0.00001.
gnomAD v4.1: 1 of 1,604,568 alleles (0.000062%); highest among the groups gnomAD compares: Non-Finnish European, 0.000085%; no homozygotes.

Submission:

GeneDx
Classification: Uncertain significance. Last evaluated: 2023-10-07. Review status: criteria provided, single submitter. Criteria: GeneDx Variant Classification Process June 2021. Collection method: clinical testing. Allele origin: germline. Affected: yes.
Comment: Not observed at significant frequency in large population cohorts (gnomAD); In silico analysis supports a deleterious effect on splicing; Has not been previously published as pathogenic or benign to our knowledge

NM_002911.4(UPF1):c.1157-3C>A

Gene: UPF1 (UPF1 RNA helicase and ATPase; plus strand). Cytogenetic location: 19p13.11.
Variant type: single nucleotide variant.
Coding change: c.1157-3C>A on transcript NM_002911.4 (MANE Select); 3 bases into the intron before coding-DNA position 1157, C replaced by A.
Molecular consequence: intron variant.
Genome position (GRCh38, 1-based): chr19:18,854,598, C>A. VCF-style: chr19-18854598-C-A. GRCh37 (hg19) VCF-style: chr19-18965407-C-A.
Other names: c.1190-3C>A (NM_001297549.2).
Identifiers: ClinVar variation 3253291 (VCV003253291.1), dbSNP rs1352603829.